The following is an entry in ClinVar:

ClinVar aggregate classification (germline): Uncertain significance (1 of 4 stars; one submission).

Conditions:
Werner syndrome (WRN). Identifiers: Orphanet 902, MedGen C0043119, MONDO:0010196, OMIM 277700.

Submission:

Labcorp Genetics (formerly Invitae), Labcorp
Classification: Uncertain significance for Werner syndrome. Last evaluated: 2021-02-07. Review status: criteria provided, single submitter. Criteria: Invitae Variant Classification Sherloc (09022015). Collection method: clinical testing. Allele origin: germline.
Comment: In summary, the available evidence is currently insufficient to determine the role of this variant in disease. Therefore, it has been classified as a Variant of Uncertain Significance. Algorithms developed to predict the effect of missense changes on protein structure and function output the following: SIFT: "Not Available"; PolyPhen-2: "Benign"; Align-GVGD: "Not Available". The lysine amino acid residue is found in multiple mammalian species, suggesting that this missense change does not adversely affect protein function. These predictions have not been confirmed by published functional studies and their clinical significance is uncertain. This variant has not been reported in the literature in individuals with WRN-related conditions. This variant is not present in population databases (ExAC no frequency). This sequence change replaces arginine with lysine at codon 31 of the WRN protein (p.Arg31Lys). The arginine residue is weakly conserved and there is a small physicochemical difference between arginine and lysine.

NM_000553.6(WRN):c.92G>A (p.Arg31Lys)

Gene: WRN (WRN RecQ like helicase; plus strand). Cytogenetic location: 8p12.
Variant type: single nucleotide variant.
Coding change: c.92G>A on transcript NM_000553.6 (MANE Select); coding-DNA position 92, G replaced by A.
Protein change: p.Arg31Lys; replaces arginine 31 with lysine.
Molecular consequence: missense variant.
Genome position (GRCh38, 1-based): chr8:31,058,539, G>A. VCF-style: chr8-31058539-G-A. GRCh37 (hg19) VCF-style: chr8-30916055-G-A.
Other names: short protein forms R31K.
Identifiers: ClinVar variation 1417460 (VCV001417460.6), dbSNP rs1812362679, ClinGen allele CA370912288.